The following is an entry in ClinVar:

NM_000836.4(GRIN2D):c.3034C>T (p.Arg1012Cys)

Gene: GRIN2D (glutamate ionotropic receptor NMDA type subunit 2D; plus strand). Cytogenetic location: 19q13.33.
Variant type: single nucleotide variant.
Coding change: c.3034C>T on transcript NM_000836.4 (MANE Select); coding-DNA position 3034, C replaced by T.
Protein change: p.Arg1012Cys; replaces arginine 1012 with cysteine.
Molecular consequence: missense variant.
Genome position (GRCh38, 1-based): chr19:48,442,960, C>T. VCF-style: chr19-48442960-C-T. GRCh37 (hg19) VCF-style: chr19-48946217-C-T.
Other names: short protein forms R1012C.
Identifiers: ClinVar variation 1405757 (VCV001405757.8), dbSNP rs2147476527, ClinGen allele CA406674729.

ClinVar aggregate classification (germline): Uncertain significance (1 of 4 stars; one submission).

Submission:

Labcorp Genetics (formerly Invitae), Labcorp
Classification: Uncertain significance. Last evaluated: 2025-05-22. Review status: criteria provided, single submitter. Criteria: Invitae Variant Classification Sherloc (09022015). Collection method: clinical testing. Allele origin: germline.
Comment: This sequence change replaces arginine, which is basic and polar, with cysteine, which is neutral and slightly polar, at codon 1012 of the GRIN2D protein (p.Arg1012Cys). This variant is not present in population databases (gnomAD no frequency). This variant has not been reported in the literature in individuals affected with GRIN2D-related conditions. ClinVar contains an entry for this variant (Variation ID: 1405757). Invitae Evidence Modeling of protein sequence and biophysical properties (such as structural, functional, and spatial information, amino acid conservation, physicochemical variation, residue mobility, and thermodynamic stability) indicates that this missense variant is not expected to disrupt GRIN2D protein function with a negative predictive value of 95%. In summary, the available evidence is currently insufficient to determine the role of this variant in disease. Therefore, it has been classified as a Variant of Uncertain Significance.